The following is an entry in ClinVar:

ClinVar aggregate classification (germline): Uncertain significance. Review status: criteria provided, multiple submitters, no conflicts (2 of 4 stars). 3 submissions from 3 submitters: Uncertain significance (3). Last evaluated 2026-01-05.

Allele frequency attached by ClinVar (database versions not stated): gnomAD exomes below 0.00001 and 0.00001; TOPMed 0.00002; ExAC 0.00009; gnomAD 0.00009 and 0.00011.
gnomAD v4.1: 37 of 1,605,962 alleles (0.0023%); highest among the groups gnomAD compares: Admixed American, 0.027%; 1 homozygote.

Submissions (3):

Labcorp Genetics (formerly Invitae), Labcorp
Classification: Uncertain significance. Last evaluated: 2026-01-05. Review status: criteria provided, single submitter. Criteria: Invitae Variant Classification Sherloc (09022015). Collection method: clinical testing. Allele origin: germline.
Comment: This sequence change replaces glycine, which is neutral and non-polar, with aspartic acid, which is acidic and polar, at codon 139 of the ZNF513 protein (p.Gly139Asp). This variant is present in population databases (rs778980228, gnomAD 0.02%). This variant has not been reported in the literature in individuals affected with ZNF513-related conditions. ClinVar contains an entry for this variant (Variation ID: 1058304). An algorithm developed to predict the effect of missense changes on protein structure and function (PolyPhen-2) suggests that this variant is likely to be disruptive. In summary, the available evidence is currently insufficient to determine the role of this variant in disease. Therefore, it has been classified as a Variant of Uncertain Significance.

Blueprint Genetics
Classification: Uncertain significance. Last evaluated: 2024-10-23. Review status: criteria provided, single submitter. Criteria: ACMG Guidelines, 2015. Collection method: clinical testing. Allele origin: germline.

Ambry Genetics
Classification: Uncertain significance. Last evaluated: 2024-10-01. Review status: criteria provided, single submitter. Criteria: Ambry Variant Classification Scheme 2023. Collection method: clinical testing. Allele origin: germline.

NM_144631.6(ZNF513):c.416G>A (p.Gly139Asp)

Gene: ZNF513 (zinc finger protein 513; minus strand). Cytogenetic location: 2p23.3.
Variant type: single nucleotide variant.
Coding change: c.416G>A on transcript NM_144631.6 (MANE Select); coding-DNA position 416, G replaced by A.
Protein change: p.Gly139Asp; replaces glycine 139 with aspartic acid.
Molecular consequence: missense variant.
Genome position (GRCh38, 1-based): chr2:27,378,850, C>T on the plus strand (G>A on the coding strand, the complement: ZNF513 is on the minus strand). VCF-style: chr2-27378850-C-T. GRCh37 (hg19) VCF-style: chr2-27601717-C-T.
Other names: c.230G>A, p.Gly77Asp (NM_001201459.2); c.416G>A (NM_144631.5); short protein forms G139D, G77D.
Identifiers: ClinVar variation 1058304 (VCV001058304.10), dbSNP rs778980228, ClinGen allele CA1578062.